The following is an entry in ClinVar:

NM_000179.3(MSH6):c.2966A>T (p.Asn989Ile)

Gene: MSH6 (mutS homolog 6; plus strand). Cytogenetic location: 2p16.3.
Variant type: single nucleotide variant.
Coding change: c.2966A>T on transcript NM_000179.3 (MANE Select); coding-DNA position 2966, A replaced by T.
Protein change: p.Asn989Ile; replaces asparagine 989 with isoleucine.
Molecular consequence: missense variant.
Genome position (GRCh38, 1-based): chr2:47,800,949, A>T. VCF-style: chr2-47800949-A-T. GRCh37 (hg19) VCF-style: chr2-48028088-A-T.
Other names: c.2576A>T, p.Asn859Ile (NM_001281492.2); c.2060A>T, p.Asn687Ile (NM_001281493.2, NM_001281494.2); short protein forms N687I, N859I, N989I.
Identifiers: ClinVar variation 1049113 (VCV001049113.2), dbSNP rs763146296, ClinGen allele CA346756303.

ClinVar aggregate classification (germline): Uncertain significance. Review status: criteria provided, single submitter (1 of 4 stars). 2 submissions from 2 submitters: Uncertain significance (1). 1 of the submissions does not count toward it. Last evaluated 2025-02-18.

Conditions:
Lynch syndrome. Identifiers: Orphanet 144, MedGen C4552100, MONDO:0005835. Disease mechanism: loss of function.
Hereditary nonpolyposis colorectal neoplasms. Identifiers: MedGen C0009405, MeSH D003123.

Submissions (2):

Labcorp Genetics (formerly Invitae), Labcorp
Classification: Uncertain significance for Hereditary nonpolyposis colorectal neoplasms. Last evaluated: 2025-02-18. Review status: criteria provided, single submitter. Criteria: Invitae Variant Classification Sherloc (09022015). Collection method: clinical testing. Allele origin: germline.
Comment: This sequence change replaces asparagine, which is neutral and polar, with isoleucine, which is neutral and non-polar, at codon 989 of the MSH6 protein (p.Asn989Ile). This variant is not present in population databases (gnomAD no frequency). This variant has not been reported in the literature in individuals affected with MSH6-related conditions. ClinVar contains an entry for this variant (Variation ID: 1049113). Invitae Evidence Modeling of protein sequence and biophysical properties (such as structural, functional, and spatial information, amino acid conservation, physicochemical variation, residue mobility, and thermodynamic stability) indicates that this missense variant is not expected to disrupt MSH6 protein function with a negative predictive value of 95%. In summary, the available evidence is currently insufficient to determine the role of this variant in disease. Therefore, it has been classified as a Variant of Uncertain Significance.

Department of Pathology and Laboratory Medicine, Sinai Health System
Classification: Uncertain significance for Lynch syndrome. Review status: no assertion criteria provided. Collection method: clinical testing. Allele origin: unknown. Affected: yes. Study: The Canadian Open Genetics Repository (COGR). Not counted in ClinVar's aggregate classification.
Comment: The MSH6 p.Asn989Ile variant was not identified in the literature nor was it identified in the dbSNP, ClinVar, UMD-LSDB, Exome Aggregation Consortium (August 8th 2016) or the Genome Aggregation Database (Feb 27, 2017). The p.Asn989 residue is not conserved in mammals and computational analyses (PolyPhen-2, SIFT, AlignGVGD, BLOSUM, MutationTaster) provide inconsistent predictions regarding the impact to the protein; this information is not very predictive of pathogenicity. The variant occurs outside of the splicing consensus sequence and 1 of 4 in silico or computational prediction software programs (SpliceSiteFinder, MaxEntScan, NNSPLICE, GeneSplicer) predict a greater than 10% difference in splicing; this is not very predictive of pathogenicity. In summary, based on the above information, the clinical significance of this variant cannot be determined with certainty at this time. This variant is classified as a variant of uncertain significance.